The following is an entry in ClinVar:

NC_000022.11:g.40346287G>A

Gene: ADSL (adenylosuccinate lyase; plus strand). Cytogenetic location: 22q13.1.
Variant type: single nucleotide variant.
Genome position: GRCh38 VCF-style: chr22-40346287-G-A. GRCh37 (hg19) VCF-style: chr22-40742291-G-A.
Identifiers: ClinVar variation 2043343 (VCV002043343.2), dbSNP rs972753167, ClinGen allele CA324446744.

ClinVar aggregate classification (germline): Uncertain significance (1 of 4 stars; one submission).

Conditions:
Adenylosuccinate lyase deficiency (ADSLD). Also called: ADSL DEFICIENCY. Identifiers: Orphanet 46, MedGen C0268126, MONDO:0007068, OMIM 103050.

Allele frequency attached by ClinVar (database versions not stated): gnomAD 0.00002; TOPMed 0.00003.

Submission:

Labcorp Genetics (formerly Invitae), Labcorp
Classification: Uncertain significance for Adenylosuccinate lyase deficiency. Last evaluated: 2022-07-19. Review status: criteria provided, single submitter. Criteria: Invitae Variant Classification Sherloc (09022015). Collection method: clinical testing. Allele origin: germline.
Comment: This variant occurs in a non-coding region of the ADSL gene. It does not change the encoded amino acid sequence of the ADSL protein. This variant is not present in population databases (gnomAD no frequency). This variant has not been reported in the literature in individuals affected with ADSL-related conditions. Experimental studies and prediction algorithms are not available or were not evaluated, and the functional significance of this variant is currently unknown. In summary, the available evidence is currently insufficient to determine the role of this variant in disease. Therefore, it has been classified as a Variant of Uncertain Significance.